The following is an entry in ClinVar:

ClinVar aggregate classification (germline): Uncertain significance (1 of 4 stars; one submission).

Conditions:
Singleton-Merten syndrome 1 (SGMRT1). Also called: Widened medullary cavities of bone, aortic calcification, abnormal dentition, and muscular weakness; Syndrome of widened medullary cavities of the metacarpals and phalanges, aortic calcification and abnormal dentition. Identifiers: Orphanet 85191, MedGen C4225427, MONDO:0024535, OMIM 182250.
Aicardi-Goutieres syndrome 7 (AGS7). Identifiers: Orphanet 51, MedGen C3888244, MONDO:0014367, OMIM 615846.

Submission:

Labcorp Genetics (formerly Invitae), Labcorp
Classification: Uncertain significance for Aicardi-Goutieres syndrome 7; Singleton-Merten syndrome 1. Last evaluated: 2025-12-02. Review status: criteria provided, single submitter. Criteria: Invitae Variant Classification Sherloc (09022015). Collection method: clinical testing. Allele origin: germline.
Comment: This sequence change replaces alanine, which is neutral and non-polar, with serine, which is neutral and polar, at codon 745 of the IFIH1 protein (p.Ala745Ser). This variant is not present in population databases (gnomAD no frequency). This variant has not been reported in the literature in individuals affected with IFIH1-related conditions. An algorithm developed to predict the effect of missense changes on protein structure and function outputs the following: PolyPhen-2: "Benign". The serine amino acid residue is found in multiple mammalian species, which suggests that this missense change does not adversely affect protein function. In summary, the available evidence is currently insufficient to determine the role of this variant in disease. Therefore, it has been classified as a Variant of Uncertain Significance.

NM_022168.4(IFIH1):c.2233G>T (p.Ala745Ser)

Gene: IFIH1 (interferon induced with helicase C domain 1; minus strand). Cytogenetic location: 2q24.2.
Variant type: single nucleotide variant.
Coding change: c.2233G>T on transcript NM_022168.4 (MANE Select); coding-DNA position 2233, G replaced by T.
Protein change: p.Ala745Ser; replaces alanine 745 with serine.
Molecular consequence: missense variant.
Genome position (GRCh38, 1-based): chr2:162,276,758, C>A on the plus strand (G>T on the coding strand, the complement: IFIH1 is on the minus strand). VCF-style: chr2-162276758-C-A. GRCh37 (hg19) VCF-style: chr2-163133268-C-A.
Other names: short protein forms A745S.
Identifiers: ClinVar variation 4789309 (VCV004789309.1).